The following is an entry in ClinVar:

NM_004329.3(BMPR1A):c.1586A>T (p.Asp529Val)

Gene: BMPR1A (bone morphogenetic protein receptor type 1A; plus strand). Cytogenetic location: 10q23.2.
Variant type: single nucleotide variant.
Coding change: c.1586A>T on transcript NM_004329.3 (MANE Select); coding-DNA position 1586, A replaced by T.
Protein change: p.Asp529Val; replaces aspartic acid 529 with valine.
Molecular consequence: missense variant.
Genome position (GRCh38, 1-based): chr10:86,923,706, A>T. VCF-style: chr10-86923706-A-T. GRCh37 (hg19) VCF-style: chr10-88683463-A-T.
Other names: short protein forms D529V.
Identifiers: ClinVar variation 925359 (VCV000925359.5), dbSNP rs1276173920, ClinGen allele CA377464056.

ClinVar aggregate classification (germline): Uncertain significance (1 of 4 stars; one submission).

Conditions:
Hereditary cancer-predisposing syndrome. Also called: Neoplastic Syndromes, Hereditary; Tumor predisposition; Hereditary Cancer Syndrome; Hereditary neoplastic syndrome. Identifiers: Orphanet 140162, MedGen C0027672, MeSH D009386, MONDO:0015356.

Allele frequency attached by ClinVar (database versions not stated): gnomAD exomes 0.00001 and 0.00002.

Submission:

Color Diagnostics, LLC DBA Color Health
Classification: Uncertain significance for Hereditary cancer-predisposing syndrome. Last evaluated: 2023-12-05. Review status: criteria provided, single submitter. Criteria: ACMG Guidelines, 2015. Collection method: clinical testing. Allele origin: germline.
Comment: This missense variant replaces aspartic acid with valine at codon 529 of the BMPR1A protein. Computational prediction tools and conservation analyses suggest that this variant may have deleterious impact on the protein function. Computational splicing tools suggest that this variant may not impact RNA splicing. To our knowledge, functional assays have not been performed for this variant nor has this variant been reported in individuals affected with hereditary cancer in the literature. This variant has been identified in 4/251154 chromosomes in the general population by the Genome Aggregation Database (gnomAD). Available evidence is insufficient to determine the role of this variant in disease conclusively. Therefore, this variant is classified as a Variant of Uncertain Significance.